The following is an entry in ClinVar:

NM_014003.4(DHX38):c.3506C>T (p.Ala1169Val)

Gene: DHX38 (DEAH-box helicase 38; plus strand). Cytogenetic location: 16q22.2.
Variant type: single nucleotide variant.
Coding change: c.3506C>T on transcript NM_014003.4 (MANE Select); coding-DNA position 3506, C replaced by T.
Protein change: p.Ala1169Val; replaces alanine 1169 with valine.
Molecular consequence: missense variant.
Genome position (GRCh38, 1-based): chr16:72,110,984, C>T. VCF-style: chr16-72110984-C-T. GRCh37 (hg19) VCF-style: chr16-72144883-C-T.
Other names: c.3506C>T (NM_014003.3); short protein forms A1169V.
Identifiers: ClinVar variation 1500516 (VCV001500516.7), dbSNP rs1443327443, ClinGen allele CA396718365.
Genomic context (GRCh38, chr16:72,110,984, plus strand): 5'-TAGGCTCAGCCAGGTCTGTCCCTCTTCAATAGGAGAACCGTCGTCGGGCCAAAGAGGAAG[C>T]CTCTGCCATGGAGGAGGAGATGGCGCTGGCCGAGGAGCAGCTGCGAGCCCGGCGGCAGGA-3'
Protein context (NP_054722.2, residues 1159-1179): QENRRRAKEE[Ala1169Val]SAMEEEMALA

ClinVar aggregate classification (germline): Uncertain significance. Review status: criteria provided, multiple submitters, no conflicts (2 of 4 stars). 3 submissions from 3 submitters: Uncertain significance (3). Last evaluated 2024-07-09.

Allele frequency attached by ClinVar (database versions not stated): gnomAD exomes 0.00001; TOPMed 0.00003; gnomAD 0.00004.
gnomAD v4.1: 19 of 1,587,664 alleles (0.0012%); highest among the groups gnomAD compares: Admixed American, 0.0036%; no homozygotes.

Submissions (3):

Ambry Genetics
Classification: Uncertain significance. Last evaluated: 2024-07-09. Review status: criteria provided, single submitter. Criteria: Ambry Variant Classification Scheme 2023. Collection method: clinical testing. Allele origin: germline.

Labcorp Genetics (formerly Invitae), Labcorp
Classification: Uncertain significance. Last evaluated: 2022-06-08. Review status: criteria provided, single submitter. Criteria: Invitae Variant Classification Sherloc (09022015). Collection method: clinical testing. Allele origin: germline.
Comment: This sequence change replaces alanine, which is neutral and non-polar, with valine, which is neutral and non-polar, at codon 1169 of the DHX38 protein (p.Ala1169Val). The frequency data for this variant in the population databases is considered unreliable, as metrics indicate poor data quality at this position in the gnomAD database. This variant has not been reported in the literature in individuals affected with DHX38-related conditions. Algorithms developed to predict the effect of missense changes on protein structure and function output the following: SIFT: "Tolerated"; PolyPhen-2: "Benign"; Align-GVGD: "Class C0". The valine amino acid residue is found in multiple mammalian species, which suggests that this missense change does not adversely affect protein function. In summary, the available evidence is currently insufficient to determine the role of this variant in disease. Therefore, it has been classified as a Variant of Uncertain Significance.

Blueprint Genetics
Classification: Uncertain significance. Last evaluated: 2021-10-13. Review status: criteria provided, single submitter. Criteria: ACMG Guidelines, 2015. Collection method: clinical testing. Allele origin: germline.